The following is an entry in ClinVar:

ClinVar aggregate classification (germline): Uncertain significance (1 of 4 stars; one submission).

Conditions:
Brugada syndrome 5 (BRGDA5). Identifiers: Orphanet 130, Orphanet 871, MedGen C2748541, MONDO:0013015, OMIM 612838.

gnomAD v4.1: 6 of 1,551,658 alleles (0.00039%); highest among the groups gnomAD compares: East Asian, 0.015%; no homozygotes.

Submission:

Labcorp Genetics (formerly Invitae), Labcorp
Classification: Uncertain significance for Brugada syndrome 5. Last evaluated: 2024-06-04. Review status: criteria provided, single submitter. Criteria: Invitae Variant Classification Sherloc (09022015). Collection method: clinical testing. Allele origin: germline.
Comment: This sequence change disrupts the translational stop signal of the SCN1B mRNA. It is expected to extend the length of the SCN1B protein by 9 additional amino acid residues. This variant is present in population databases (rs757484205, gnomAD 0.02%). This variant has not been reported in the literature in individuals affected with SCN1B-related conditions. Experimental studies and prediction algorithms are not available or were not evaluated, and the functional significance of this variant is currently unknown. In summary, the available evidence is currently insufficient to determine the role of this variant in disease. Therefore, it has been classified as a Variant of Uncertain Significance.

NM_001037.5(SCN1B):c.448+357T>C

Gene: SCN1B (sodium voltage-gated channel beta subunit 1; plus strand). Cytogenetic location: 19q13.11.
Variant type: single nucleotide variant.
Coding change: c.448+357T>C on transcript NM_001037.5 (MANE Select); 357 bases into the intron after coding-DNA position 448, T replaced by C.
Molecular consequence: intron variant. On other transcripts: stop lost (1).
Genome position (GRCh38, 1-based): chr19:35,034,096, T>C. VCF-style: chr19-35034096-T-C. GRCh37 (hg19) VCF-style: chr19-35525000-T-C.
Other names: c.805T>C, p.Ter269Arg (NM_199037.5); c.349+357T>C (NM_001321605.2).
Identifiers: ClinVar variation 3730070 (VCV003730070.2).